The following is an entry in ClinVar:

NM_000090.4(COL3A1):c.1304G>A (p.Gly435Asp)

Gene: COL3A1 (collagen type III alpha 1 chain; plus strand). Cytogenetic location: 2q32.2.
Variant type: single nucleotide variant.
Coding change: c.1304G>A on transcript NM_000090.4 (MANE Select); coding-DNA position 1304, G replaced by A.
Protein change: p.Gly435Asp; replaces glycine 435 with aspartic acid.
Molecular consequence: missense variant.
Genome position (GRCh38, 1-based): chr2:188,994,551, G>A. VCF-style: chr2-188994551-G-A. GRCh37 (hg19) VCF-style: chr2-189859277-G-A.
Other names: short protein forms G435D.
Identifiers: ClinVar variation 1769481 (VCV001769481.3), dbSNP rs2469129452, ClinGen allele CA349851631.

ClinVar aggregate classification (germline): Pathogenic. Review status: criteria provided, multiple submitters, no conflicts (2 of 4 stars). 2 submissions from 2 submitters: Pathogenic (2). Last evaluated 2021-02-24.

Conditions:
Ehlers-Danlos syndrome, type 4 (EDSVASC). Also called: Ehlers-Danlos syndrome vascular type; Ehlers Danlos syndrome, ecchymotic type; Ehlers Danlos syndrome, arterial type; Ehlers Danlos syndrome, Sack-Barabas type; Ehlers-Danlos Syndrome Type IV. Identifiers: Orphanet 286, MedGen C0268338, MONDO:0017314, OMIM 130050.
Familial thoracic aortic aneurysm and aortic dissection (TAAD). Also called: Thoracic aortic aneurysms and dissections. Identifiers: Orphanet 91387, MedGen C4707243, MONDO:0019625.

Submissions (2):

Ambry Genetics
Classification: Pathogenic for Familial thoracic aortic aneurysm and aortic dissection. Last evaluated: 2021-02-24. Review status: criteria provided, single submitter. Criteria: Ambry Variant Classification Scheme 2023. Collection method: clinical testing. Allele origin: germline.
Comment: The p.G435D pathogenic mutation (also known as c.1304G>A), located in coding exon 19 of the COL3A1 gene, results from a G to A substitution at nucleotide position 1304. The glycine at codon 435 is replaced by aspartic acid, an amino acid with similar properties. The majority (approximately two-thirds) of COL3A1 mutations identified to date have involved the substitution of another amino acid for glycine within the triple-helical domain (Pepin MG et al. Genet Med. 2014;16(12):881-8; Frank M et al. Eur J Hum Genet. 2015;23(12):1657-64). This particular glycine substitution has been reported in individuals with vascular Ehlers-Danlos (vEDS), including one reportedly de novo case (Frank M et al. Eur J Hum Genet, 2015 Dec;23:1657-64; Callaghan MB et al. Am J Med Genet A, 2020 03;182:553-556). Internal structural analysis indicates that this alteration disrupts the characteristic G-X-Y motif in the COL3A1 protein and inserts a bulky side chain into a sterically-constrained region (Bella J et al. Science. 1994;266:75-81; Hohenester E et al. Proc. Natl. Acad. Sci. U.S.A. 2008;105:18273-7; Ambry internal data). Based on the supporting evidence, this alteration is interpreted as a disease-causing mutation.

Victorian Clinical Genetics Services, Murdoch Childrens Research Institute
Classification: Pathogenic for Ehlers-Danlos syndrome, type 4. Last evaluated: 2020-06-11. Review status: criteria provided, single submitter. Criteria: ACMG Guidelines, 2015. Collection method: clinical testing. Allele origin: germline. Affected: yes.
Comment: Based on the classification scheme VCGS_Germline_v1.1.1, this variant is classified as 5-Pathogenic. Following criteria are met: 0104 - Dominant Negative is a mechanism of disease for this gene. (N) 0108 - This gene is known to be associated with both recessive and dominant disease. This gene is associated with autosomal recessive polymicrogyria with or without vascular-type Ehlers-Danlos syndrome and autosomal dominant Ehlers-Danlos syndrome, vascular type (OMIM). (N) 0200 - Variant is predicted to result in a missense amino acid change from glycine to aspartic acid. This variant is in exon 19 of the COL3A1 gene. (N) 0251 - Variant is heterozygous. (N) 0301 - Variant is absent from gnomAD. (P) 0501 - Missense variant consistently predicted to be damaging by multiple in silico tools or highly conserved with a major amino acid change. (P) 0600 - Variant is located in an annotated domain or motif (Triple helix repeat region; NCBI conserved domain). (N) 0702 - Comparable variants have strong previous evidence for pathogenicity. Multiple variants affecting the glycine residue of a Gly-X-Y repeat in the triple helix repeat domain have been classified as likely pathogenic or pathogenic (ClinVar). However, alternate amino acid changes at the same residue (p.Gly435Cys and p.Gly435Ser) have also been classified as variants of uncertain significance although in silico tools predict both alternate changes to be deleterious (ClinVar). (P) 0803 - Low previous evidence of pathogenicity in unrelated individuals. Variant has been reported in two families diagnosed with vascular Ehlers-Danlos syndrome (PMIDs: 25758994; 31833208). (P) 1007 - No published functional evidence has been identified for this variant in the literature. (N) 1208 - Inheritance information for this variant is not currently available. (N) Legend: (P) - Pathogenic, (N) - Neutral, (B) - Benign

Literature cited by the submitters: PubMed 25758994 (cited by Ambry Genetics and Victorian Clinical Genetics Services, Murdoch Childrens Research Institute); PubMed 30474650 (cited by Ambry Genetics); PubMed 31833208 (cited by Ambry Genetics and Victorian Clinical Genetics Services, Murdoch Childrens Research Institute).